The following is an entry in ClinVar:

NM_001040113.2(MYH11):c.644del (p.Ser215fs)

Gene: MYH11 (myosin heavy chain 11; minus strand). Cytogenetic location: 16p13.11.
Variant type: Deletion.
Coding change: c.644del on transcript NM_001040113.2 (MANE Plus Clinical); coding-DNA position 644, one base deleted (C; older notation c.644delC).
Protein change: p.Ser215fs; shifts the reading frame from serine 215.
Molecular consequence: frameshift variant. On other transcripts: intron variant (2).
Genome position (GRCh38, 1-based): chr16:15,784,708, G deleted on the plus strand (C on the coding strand, the reverse complement: MYH11 is on the minus strand). VCF-style (leftmost placement, unchanged base first): chr16-15784707-AG-A. GRCh37 (hg19) VCF-style: chr16-15878564-AG-A.
Other names: c.644del, p.Ser215fs (NM_001040114.2); c.633+1922del (NM_002474.3, NM_022844.3); short protein forms S215fs.
Identifiers: ClinVar variation 1351585 (VCV001351585.8), dbSNP rs1378450928, ClinGen allele CA718463409.

ClinVar aggregate classification (germline): Conflicting classifications of pathogenicity. Review status: criteria provided, conflicting classifications (1 of 4 stars). 3 submissions from 3 submitters: Pathogenic (1); Likely pathogenic (1); Uncertain significance (1). Last evaluated 2023-09-13.

Conditions:
Familial thoracic aortic aneurysm and aortic dissection (TAAD). Also called: Thoracic aortic aneurysms and dissections. Identifiers: Orphanet 91387, MedGen C4707243, MONDO:0019625.
MYH11-related disorder. Also called: MYH11-related condition.
Aortic aneurysm, familial thoracic 4 (AAT4). Also called: AORTIC ANEURYSM/AORTIC DISSECTION AND PATENT DUCTUS ARTERIOSUS. Identifiers: MedGen C1851504, MONDO:0007568, OMIM 132900.

Allele frequency attached by ClinVar (database versions not stated): gnomAD exomes below 0.00001; TOPMed below 0.00001; gnomAD 0.00001.

Submissions (3):

Blueprint Genetics
Classification: Likely pathogenic for MYH11-related disorders. Last evaluated: 2023-09-13. Review status: criteria provided, single submitter. Criteria: ACMG Guidelines, 2015. Collection method: clinical testing. Allele origin: germline. Affected: yes. Observed: 1 variant allele.

Labcorp Genetics (formerly Invitae), Labcorp
Classification: Pathogenic for Aortic aneurysm, familial thoracic 4. Last evaluated: 2023-09-13. Review status: criteria provided, single submitter. Criteria: Invitae Variant Classification Sherloc (09022015). Collection method: clinical testing. Allele origin: germline.
Comment: For these reasons, this variant has been classified as Pathogenic. Algorithms developed to predict the effect of sequence changes on RNA splicing suggest that this variant may disrupt the consensus splice site. ClinVar contains an entry for this variant (Variation ID: 1351585). This variant has not been reported in the literature in individuals affected with MYH11-related conditions. This variant is not present in population databases (gnomAD no frequency). This sequence change creates a premature translational stop signal (p.Ser215Phefs*27) in the MYH11 gene. It is expected to result in an absent or disrupted protein product. Loss-of-function variants in MYH11 are known to be pathogenic (PMID: 25407000, 29575632).

All of Us Research Program, National Institutes of Health
Classification: Uncertain significance for Familial thoracic aortic aneurysm and aortic dissection. Last evaluated: 2023-06-08. Review status: criteria provided, single submitter. Criteria: ACMG Guidelines, 2015. Collection method: clinical testing. Allele origin: germline. Inheritance: Autosomal dominant inheritance. Observed: 1 variant allele, 1 heterozygote.
Comment: This variant deletes 1 nucleotide in exon 6 of the MYH11 gene, creating a frameshift and premature translation stop signal. This variant is expected to result in an absent or non-functional protein product. To our knowledge, this variant has not been reported in individuals affected with MYH11-related disorders in the literature. This variant has not been identified in the general population by the Genome Aggregation Database (gnomAD). Clinical relevance of loss-of-function MYH11 truncation variants in autosomal dominant cardiovascular disorders is not clearly established. The available evidence is insufficient to determine the role of this variant in disease conclusively. Therefore, this variant is classified as a Variant of Uncertain Significance.

This study involves interpretation of variants in research participants for the purpose of population health screening. Participant phenotype was not available at the time of variant classification. Additional details can be found in publication PMID: 35346344, PMCID: PMC8962531

Literature cited by the submitters: PubMed 25407000 (cited by Labcorp Genetics (formerly Invitae), Labcorp); PubMed 29575632 (cited by Labcorp Genetics (formerly Invitae), Labcorp).